The following is an entry in ClinVar:

NM_000085.5(CLCNKB):c.1797G>T (p.Leu599=)

Genes: CLCNKB (chloride voltage-gated channel Kb; plus strand), LOC106501713 (CLCNKB recombination region; plus strand). Cytogenetic location: 1p36.13.
Variant type: single nucleotide variant.
Coding change: c.1797G>T on transcript NM_000085.5 (MANE Select); coding-DNA position 1797, G replaced by T.
Protein change: p.Leu599=; no amino-acid change (leucine 599 retained).
Molecular consequence: synonymous variant.
Genome position (GRCh38, 1-based): chr1:16,055,475, G>T. VCF-style: chr1-16055475-G-T. GRCh37 (hg19) VCF-style: chr1-16381970-G-T.
Other names: p.Leu599=; c.1290G>T, p.Leu430= (NM_001165945.2).
Identifiers: ClinVar variation 1560568 (VCV001560568.10), dbSNP rs144157543, ClinGen allele CA624031.

ClinVar aggregate classification (germline): Likely benign. Review status: criteria provided, multiple submitters, no conflicts (2 of 4 stars). 3 submissions from 3 submitters: Likely benign (3). Last evaluated 2026-01-12.

Conditions:
Bartter disease type 3. Also called: Bartter syndrome type 3. Identifiers: Orphanet 112, Orphanet 93605, MedGen C1846343, MONDO:0011822, OMIM 607364.
Bartter disease type 4B. Also called: BARTTER SYNDROME, TYPE 4B, NEONATAL, WITH SENSORINEURAL DEAFNESS; Bartter syndrome, type 4b, digenic; BARTTER SYNDROME, TYPE 4B. Identifiers: Orphanet 112, MedGen C4310805, MONDO:0000909, OMIM 613090.

Allele frequency attached by ClinVar (database versions not stated): 1000 Genomes Project 0.00040; 1000 Genomes Project 30x 0.00047; TOPMed 0.00049; gnomAD exomes 0.00056 and 0.00057; ExAC 0.00058; ESP Exome Variant Server 0.00069.

Submissions (3):

Labcorp Genetics (formerly Invitae), Labcorp
Classification: Likely benign. Last evaluated: 2026-01-12. Review status: criteria provided, single submitter. Criteria: Invitae Variant Classification Sherloc (09022015). Collection method: clinical testing. Allele origin: germline.

Mayo Clinic Laboratories, Mayo Clinic
Classification: Likely benign. Last evaluated: 2025-08-06. Review status: criteria provided, single submitter. Criteria: ACMG Guidelines, 2015. Collection method: clinical testing. Allele origin: germline. Observed: 2 variant alleles.
Comment: BP4, BP7

Fulgent Genetics
Classification: Likely benign for Bartter disease type 3; Bartter disease type 4B. Last evaluated: 2022-04-18. Review status: criteria provided, single submitter. Criteria: ACMG Guidelines, 2015. Collection method: clinical testing. Allele origin: unknown.